The following is an entry in ClinVar:

NM_018699.4(PRDM5):c.694C>T (p.Arg232Ter)

Gene: PRDM5 (PR/SET domain 5; minus strand). Cytogenetic location: 4q27.
Variant type: single nucleotide variant.
Coding change: c.694C>T on transcript NM_018699.4 (MANE Select); coding-DNA position 694, C replaced by T.
Protein change: p.Arg232Ter; replaces arginine 232 with a stop codon.
Molecular consequence: nonsense. On other transcripts: intron variant (3).
Genome position (GRCh38, 1-based): chr4:120,816,881, G>A on the plus strand (C>T on the coding strand, the complement: PRDM5 is on the minus strand). VCF-style: chr4-120816881-G-A. GRCh37 (hg19) VCF-style: chr4-121738036-G-A.
Other names: c.694C>T, p.Arg232Ter (NM_001379104.1); c.651-307C>T (NM_001300824.2, NM_001379106.1, NM_001300823.2); short protein forms R232*.
Identifiers: ClinVar variation 2053127 (VCV002053127.6), dbSNP rs1455476600, ClinGen allele CA358207762.

ClinVar aggregate classification (germline): Pathogenic/Likely pathogenic. Review status: criteria provided, multiple submitters, no conflicts (2 of 4 stars). 3 submissions from 3 submitters: Pathogenic (1); Likely pathogenic (2). Last evaluated 2024-05-07.

Conditions:
Brittle cornea syndrome 2 (BCS2). Identifiers: Orphanet 90354, MedGen C3280011, MONDO:0013605, OMIM 614170.

Allele frequency attached by ClinVar (database versions not stated): gnomAD exomes 0.00001.

Submissions (3):

Fulgent Genetics
Classification: Likely pathogenic for Brittle cornea syndrome 2. Last evaluated: 2024-05-07. Review status: criteria provided, single submitter. Criteria: ACMG Guidelines, 2015. Collection method: clinical testing. Allele origin: germline.

Department of Pathology and Laboratory Medicine, Sinai Health System
Classification: Likely pathogenic for Brittle cornea syndrome 2. Last evaluated: 2023-01-17. Review status: criteria provided, single submitter. Criteria: ACMG Guidelines, 2015. Collection method: research. Allele origin: germline.

Labcorp Genetics (formerly Invitae), Labcorp
Classification: Pathogenic. Last evaluated: 2022-05-13. Review status: criteria provided, single submitter. Criteria: Invitae Variant Classification Sherloc (09022015). Collection method: clinical testing. Allele origin: germline.
Comment: For these reasons, this variant has been classified as Pathogenic. This variant has not been reported in the literature in individuals affected with PRDM5-related conditions. This variant is present in population databases (no rsID available, gnomAD 0.003%). This sequence change creates a premature translational stop signal (p.Arg232*) in the PRDM5 gene. It is expected to result in an absent or disrupted protein product. Loss-of-function variants in PRDM5 are known to be pathogenic (PMID: 21664999, 26395458).

Literature cited by the submitters: PubMed 21664999 (cited by Labcorp Genetics (formerly Invitae), Labcorp); PubMed 26395458 (cited by Labcorp Genetics (formerly Invitae), Labcorp).